The following is an entry in ClinVar:

ClinVar aggregate classification (germline): Uncertain significance (1 of 4 stars; one submission).

Conditions:
SLCO2A1-related disorder. Also called: SLCO2A1-related condition.

Submission:

PreventionGenetics, part of Exact Sciences
Classification: Uncertain significance for SLCO2A1-related condition. Last evaluated: 2025-07-29. Review status: criteria provided, single submitter. Criteria: ACMG Guidelines, 2015. Collection method: clinical testing. Allele origin: germline.
Comment: The SLCO2A1 c.215T>C variant is predicted to result in the amino acid substitution p.Leu72Pro. To our knowledge, this variant has not been reported in the literature or in a large population database (gnomAD), indicating this variant is rare. At this time, the clinical significance of this variant is uncertain due to the absence of conclusive functional and genetic evidence.

NM_005630.3(SLCO2A1):c.215T>C (p.Leu72Pro)

Gene: SLCO2A1 (solute carrier organic anion transporter family member 2A1; minus strand). Cytogenetic location: 3q22.1.
Variant type: single nucleotide variant.
Coding change: c.215T>C on transcript NM_005630.3 (MANE Select); coding-DNA position 215, T replaced by C.
Protein change: p.Leu72Pro; replaces leucine 72 with proline.
Molecular consequence: missense variant.
Genome position (GRCh38, 1-based): chr3:133,979,500, A>G on the plus strand (T>C on the coding strand, the complement: SLCO2A1 is on the minus strand). VCF-style: chr3-133979500-A-G. GRCh37 (hg19) VCF-style: chr3-133698344-A-G.
Other names: short protein forms L72P.
Identifiers: ClinVar variation 4998506 (VCV004998506.1).